The following is an entry in ClinVar:

ClinVar aggregate classification (germline): Pathogenic (1 of 4 stars; one submission).

Conditions:
Bardet-Biedl syndrome (BBS). Identifiers: Orphanet 110, MedGen C0752166, MONDO:0015229.

Submission:

Labcorp Genetics (formerly Invitae), Labcorp
Classification: Pathogenic for Bardet-Biedl syndrome. Last evaluated: 2021-05-31. Review status: criteria provided, single submitter. Criteria: Invitae Variant Classification Sherloc (09022015). Collection method: clinical testing. Allele origin: germline.
Comment: This variant has not been reported in the literature in individuals with BBS4-related conditions. This variant is a gross deletion of the genomic region encompassing exon(s) 7-12 of the BBS4 gene. This deletion is out-of-frame, and is expected to create a premature translational stop signal and result in an absent or disrupted protein product. Loss-of-function variants in BBS4 are known to be pathogenic (PMID: 11381270, 12016587, 20177705, 27894351). For these reasons, this variant has been classified as Pathogenic.

Literature cited by the submitters: PubMed 11381270; PubMed 12016587; PubMed 20177705; PubMed 27894351.

NC_000015.9:g.(?_73015115)_(73024087_?)del

Gene: BBS4 (Bardet-Biedl syndrome 4; plus strand). Cytogenetic location: 15q24.1.
Variant type: Deletion.
Identifiers: ClinVar variation 1428249 (VCV001428249.6).